The following is an entry in ClinVar:

NM_000059.4(BRCA2):c.7806-2003C>T

Gene: BRCA2 (BRCA2 DNA repair associated; plus strand). Cytogenetic location: 13q13.1.
Variant type: single nucleotide variant.
Coding change: c.7806-2003C>T on transcript NM_000059.4 (MANE Select); 2003 bases into the intron before coding-DNA position 7806, C replaced by T.
Molecular consequence: intron variant.
Genome position (GRCh38, 1-based): chr13:32,360,520, C>T. VCF-style: chr13-32360520-C-T. GRCh37 (hg19) VCF-style: chr13-32934657-C-T.
Identifiers: ClinVar variation 264894 (VCV000264894.1), dbSNP rs11571714, ClinGen allele CA10588131.

ClinVar aggregate classification (germline): Benign (3 of 4 stars; one submission).

Conditions:
Breast-ovarian cancer, familial, susceptibility to, 2 (BROVCA2). Also called: BRCA2 Hereditary Breast and Ovarian Cancer. Identifiers: Orphanet 145, MedGen C2675520, MONDO:0012933, OMIM 612555. Disease mechanism: loss of function.

Allele frequency attached by ClinVar (database versions not stated): gnomAD 0.00092; TOPMed 0.00164; 1000 Genomes Project 0.00240; 1000 Genomes Project 30x 0.00312.
gnomAD v4.1: 180 of 152,088 alleles (0.12%); highest among the groups gnomAD compares: Admixed American, 1%; 2 homozygotes.

Submission:

Evidence-based Network for the Interpretation of Germline Mutant Alleles (ENIGMA)
Classification: Benign for Breast-ovarian cancer, familial, susceptibility to, 2. Last evaluated: 2016-09-28. Review status: reviewed by expert panel. Criteria: ENIGMA BRCA1/2 Classification Criteria (2015). Collection method: curation. Allele origin: germline.
Comment: Class 1 not pathogenic based on frequency >1% in an outbred sampleset. Frequency 0.0173 (Admixed American/Latino), derived from 1000 genomes (2013-05-02).